The following is an entry in ClinVar:

NM_000388.4(CASR):c.41C>T (p.Thr14Ile)

Gene: CASR (calcium sensing receptor; plus strand). Cytogenetic location: 3q21.1.
Variant type: single nucleotide variant.
Coding change: c.41C>T on transcript NM_000388.4 (MANE Select); coding-DNA position 41, C replaced by T.
Protein change: p.Thr14Ile; replaces threonine 14 with isoleucine.
Molecular consequence: missense variant.
Genome position (GRCh38, 1-based): chr3:122,254,230, C>T. VCF-style: chr3-122254230-C-T. GRCh37 (hg19) VCF-style: chr3-121973077-C-T.
Other names: c.41C>T, p.Thr14Ile (NM_001178065.2); short protein forms T14I.
Identifiers: ClinVar variation 581679 (VCV000581679.11), dbSNP rs1235999733, ClinGen allele CA354362006.

ClinVar aggregate classification (germline): Uncertain significance (1 of 4 stars; one submission).

Conditions:
Familial hypocalciuric hypercalcemia (FHH). Also called: Familial benign hypercalcemia. Identifiers: Orphanet 405, MedGen C1809471, MONDO:0018458.
Autosomal dominant hypocalcemia 1 (HYPOC1). Also called: HYPOCALCEMIA, FAMILIAL. Identifiers: MedGen C3715128, MONDO:0011013, OMIM 601198.

Submission:

Labcorp Genetics (formerly Invitae), Labcorp
Classification: Uncertain significance for Familial hypocalciuric hypercalcemia; Autosomal dominant hypocalcemia 1. Last evaluated: 2022-11-29. Review status: criteria provided, single submitter. Criteria: Invitae Variant Classification Sherloc (09022015). Collection method: clinical testing. Allele origin: germline.
Comment: This variant is not present in population databases (gnomAD no frequency). This sequence change replaces threonine, which is neutral and polar, with isoleucine, which is neutral and non-polar, at codon 14 of the CASR protein (p.Thr14Ile). In summary, the available evidence is currently insufficient to determine the role of this variant in disease. Therefore, it has been classified as a Variant of Uncertain Significance. Algorithms developed to predict the effect of missense changes on protein structure and function (SIFT, PolyPhen-2, Align-GVGD) all suggest that this variant is likely to be tolerated. ClinVar contains an entry for this variant (Variation ID: 581679). This variant has not been reported in the literature in individuals affected with CASR-related conditions.